The following is an entry in ClinVar:

ClinVar aggregate classification (germline): Conflicting classifications of pathogenicity. Review status: criteria provided, conflicting classifications (1 of 4 stars). 2 submissions from 2 submitters: Uncertain significance (1); Benign (1). Last evaluated 2025-10-01.

Conditions:
Sphingolipid activator protein 1 deficiency. Also called: Saposin B Deficiency; METACHROMATIC LEUKODYSTROPHY DUE TO CEREBROSIDE SULFATASE ACTIVATOR DEFICIENCY; Metachromatic leukodystrophy due to saposin B deficiency. Identifiers: Orphanet 512, MedGen C0268262, MONDO:0009590, OMIM 249900.

Submissions (2):

CeGaT Center for Human Genetics Tuebingen
Classification: Uncertain significance. Last evaluated: 2025-10-01. Review status: criteria provided, single submitter. Criteria: CeGaT Center For Human Genetics Tuebingen Variant Classification Criteria Version 2. Collection method: clinical testing. Allele origin: germline. Affected: yes. Observed: 1 variant allele.
Comment: PSAP: PM2, BP4

Labcorp Genetics (formerly Invitae), Labcorp
Classification: Benign for Sphingolipid activator protein 1 deficiency. Last evaluated: 2024-08-28. Review status: criteria provided, single submitter. Criteria: Invitae Variant Classification Sherloc (09022015). Collection method: clinical testing. Allele origin: germline.

NM_002778.4(PSAP):c.1540-13TC[2]

Gene: PSAP (prosaposin; minus strand). Cytogenetic location: 10q22.1.
Variant type: Microsatellite.
Coding change: c.1540-13TC[2] on transcript NM_002778.4 (MANE Select); two copies in a row of the 2-base unit TC starting at c.1540-13; the reference has three copies in a row; one copy, 2 bases deleted.
Molecular consequence: intron variant.
Genome position (GRCh38, 1-based): chr10:71,817,484-71,817,485, GA deleted on the plus strand (TC on the coding strand, the reverse complement: PSAP is on the minus strand); deleting any 2 consecutive bases within chr10:71,817,484-71,817,490 gives the same sequence; the position shown is the placement nearest the transcript's 3' end. VCF-style (leftmost placement, unchanged base first): chr10-71817483-GGA-G. GRCh37 (hg19) VCF-style: chr10-73577240-GGA-G.
Other names: c.1546-13TC[2] (NM_001042466.3); c.1549-13TC[2] (NM_001042465.3).
Identifiers: ClinVar variation 1598721 (VCV001598721.14), dbSNP rs770871198, ClinGen allele CA5547300.